The following is an entry in ClinVar:

NM_004863.4(SPTLC2):c.*6T>C

Gene: SPTLC2 (serine palmitoyltransferase long chain base subunit 2; minus strand). Cytogenetic location: 14q24.3.
Variant type: single nucleotide variant.
Coding change: c.*6T>C on transcript NM_004863.4 (MANE Select); 6 bases downstream of the stop codon, T replaced by C.
Molecular consequence: 3 prime UTR variant.
Genome position (GRCh38, 1-based): chr14:77,512,278, A>G on the plus strand (T>C on the coding strand, the complement: SPTLC2 is on the minus strand). VCF-style: chr14-77512278-A-G. GRCh37 (hg19) VCF-style: chr14-77978621-A-G.
Identifiers: ClinVar variation 378668 (VCV000378668.2), dbSNP rs73319080, ClinGen allele CA7289095.
Genomic context (GRCh38, chr14:77,512,278, plus strand): 5'-TGGCTCACAAAGGCCACAGGCTGTCCTGGGTGAGGGAGAGTTCCTCTGAGGGAGCACCAA[A>G]AAGGCTCAGTCTTCTGTTTCTTCATACGTCGTCTCGTCAAAGGGCCTGTCCAGTAGAGGT-3'

ClinVar aggregate classification (germline): Likely benign. Review status: criteria provided, multiple submitters, no conflicts (2 of 4 stars). 2 submissions from 2 submitters: Likely benign (2). Last evaluated 2023-08-30.

Allele frequency attached by ClinVar (database versions not stated): 1000 Genomes Project 30x 0.00016.
gnomAD v4.1: 433 of 1,613,768 alleles (0.027%); highest among the groups gnomAD compares: Non-Finnish European, 0.036%; no homozygotes.

Submissions (2):

Blueprint Genetics
Classification: Likely benign. Last evaluated: 2023-08-30. Review status: criteria provided, single submitter. Criteria: ACMG Guidelines, 2015. Collection method: clinical testing. Allele origin: germline.

GeneDx
Classification: Likely benign. Last evaluated: 2015-12-10. Review status: criteria provided, single submitter. Criteria: GeneDx Variant Classification (06012015). Collection method: clinical testing. Allele origin: germline. Affected: yes.
Comment: This variant is considered likely benign or benign based on one or more of the following criteria: it is a conservative change, it occurs at a poorly conserved position in the protein, it is predicted to be benign by multiple in silico algorithms, and/or has population frequency not consistent with disease.